The following is an entry in ClinVar:

ClinVar aggregate classification (germline): Uncertain significance (1 of 4 stars; one submission).

Conditions:
Hereditary cancer-predisposing syndrome. Also called: Hereditary Cancer Syndrome; Hereditary neoplastic syndrome; Neoplastic Syndromes, Hereditary; Tumor predisposition. Identifiers: Orphanet 140162, MedGen C0027672, MeSH D009386, MONDO:0015356.

Submission:

Ambry Genetics
Classification: Uncertain significance for Hereditary cancer-predisposing syndrome. Last evaluated: 2022-07-01. Review status: criteria provided, single submitter. Criteria: Ambry Variant Classification Scheme 2023. Collection method: clinical testing. Allele origin: germline.
Comment: The c.1420-5T>C intronic variant results from a T to C substitution 5 nucleotides upstream from coding exon 8 in the SMARCA4 gene. This nucleotide position is not well conserved in available vertebrate species. In silico splice site analysis predicts that this alteration will not have any significant effect on splicing. Since supporting evidence is limited at this time, the clinical significance of this alteration remains unclear.

NM_003072.5(SMARCA4):c.1420-5T>C

Gene: SMARCA4 (SWI/SNF related BAF chromatin remodeling complex subunit ATPase 4; plus strand). Cytogenetic location: 19p13.2.
Variant type: single nucleotide variant.
Coding change: c.1420-5T>C on transcript NM_003072.5 (MANE Select); 5 bases into the intron before coding-DNA position 1420, T replaced by C.
Molecular consequence: intron variant.
Genome position (GRCh38, 1-based): chr19:10,994,823, T>C. VCF-style: chr19-10994823-T-C. GRCh37 (hg19) VCF-style: chr19-11105499-T-C.
Other names: c.1420-5T>C (NM_001128844.3, NM_001128849.3, NM_001128847.4 and 5 more transcripts).
Identifiers: ClinVar variation 1772242 (VCV001772242.2), dbSNP rs2086878882, ClinGen allele CA2580096417.